The following is an entry in ClinVar:

ClinVar aggregate classification (germline): Pathogenic (1 of 4 stars; one submission).

Submission:

Labcorp Genetics (formerly Invitae), Labcorp
Classification: Pathogenic. Last evaluated: 2024-01-14. Review status: criteria provided, single submitter. Criteria: Invitae Variant Classification Sherloc (09022015). Collection method: clinical testing. Allele origin: germline.
Comment: This sequence change creates a premature translational stop signal (p.Leu671Lysfs*3) in the LRPPRC gene. It is expected to result in an absent or disrupted protein product. Loss-of-function variants in LRPPRC are known to be pathogenic (PMID: 26510951). This variant is not present in population databases (gnomAD no frequency). This variant has not been reported in the literature in individuals affected with LRPPRC-related conditions. For these reasons, this variant has been classified as Pathogenic.

Literature cited by the submitters: PubMed 26510951.

NM_133259.4(LRPPRC):c.2010_2011del (p.Leu671fs)

Gene: LRPPRC (leucine rich pentatricopeptide repeat containing; minus strand). Cytogenetic location: 2p21.
Variant type: Microsatellite.
Coding change: c.2010_2011del on transcript NM_133259.4 (MANE Select); coding-DNA positions 2010 to 2011, 2 bases deleted (AC; older notation c.2010_2011delAC).
Protein change: p.Leu671fs; shifts the reading frame from leucine 671.
Molecular consequence: frameshift variant.
Genome position (GRCh38, 1-based): chr2:43,947,325-43,947,326, GT deleted on the plus strand (AC on the coding strand, the reverse complement: LRPPRC is on the minus strand); deleting any 2 consecutive bases within chr2:43,947,325-43,947,328 gives the same sequence; the c. name uses the placement nearest the transcript's 3' end. VCF-style (leftmost placement, unchanged base first): chr2-43947324-AGT-A. GRCh37 (hg19) VCF-style: chr2-44174463-AGT-A.
Other names: short protein forms L671fs.
Identifiers: ClinVar variation 2709361 (VCV002709361.3), dbSNP rs2466569633, ClinGen allele CA2697548017.